The following is an entry in ClinVar:

ClinVar aggregate classification (germline): Uncertain significance (1 of 4 stars; one submission).

Conditions:
Gorlin syndrome. Also called: Basal cell nevus syndrome; Nevoid Basal Cell Carcinoma Syndrome. Identifiers: Orphanet 377, MedGen C0004779, MONDO:0007187.

Submission:

Labcorp Genetics (formerly Invitae), Labcorp
Classification: Uncertain significance for Gorlin syndrome. Last evaluated: 2023-02-28. Review status: criteria provided, single submitter. Criteria: Invitae Variant Classification Sherloc (09022015). Collection method: clinical testing. Allele origin: germline.
Comment: This sequence change replaces aspartic acid, which is acidic and polar, with glutamic acid, which is acidic and polar, at codon 57 of the PTCH1 protein (p.Asp57Glu). This variant is not present in population databases (gnomAD no frequency). This variant has not been reported in the literature in individuals affected with PTCH1-related conditions. ClinVar contains an entry for this variant (Variation ID: 1037076). Advanced modeling of protein sequence and biophysical properties (such as structural, functional, and spatial information, amino acid conservation, physicochemical variation, residue mobility, and thermodynamic stability) performed at Invitae indicates that this missense variant is not expected to disrupt PTCH1 protein function. In summary, the available evidence is currently insufficient to determine the role of this variant in disease. Therefore, it has been classified as a Variant of Uncertain Significance.

NM_000264.5(PTCH1):c.171C>A (p.Asp57Glu)

Gene: PTCH1 (patched 1; minus strand). Cytogenetic location: 9q22.32.
Variant type: single nucleotide variant.
Coding change: c.171C>A on transcript NM_000264.5 (MANE Select); coding-DNA position 171, C replaced by A.
Protein change: p.Asp57Glu; replaces aspartic acid 57 with glutamic acid.
Molecular consequence: missense variant. On other transcripts: intron variant (3), non-coding transcript variant (1).
Genome position (GRCh38, 1-based): chr9:95,508,191, G>T on the plus strand (C>A on the coding strand, the complement: PTCH1 is on the minus strand). VCF-style: chr9-95508191-G-T. GRCh37 (hg19) VCF-style: chr9-98270473-G-T.
Other names: c.4-1592C>A (NM_001083602.3, NM_001354919.2); c.171C>A, p.Asp57Glu (NM_001354918.2); c.199-1592C>A (NM_001083603.3); short protein forms D57E.
Identifiers: ClinVar variation 1037076 (VCV001037076.9), dbSNP rs1485701312, ClinGen allele CA374121301.